The following is an entry in ClinVar:

NM_004304.5(ALK):c.124G>C (p.Glu42Gln)

Gene: ALK (ALK receptor tyrosine kinase; minus strand). Cytogenetic location: 2p23.1.
Variant type: single nucleotide variant.
Coding change: c.124G>C on transcript NM_004304.5 (MANE Select); coding-DNA position 124, G replaced by C.
Protein change: p.Glu42Gln; replaces glutamic acid 42 with glutamine.
Molecular consequence: missense variant.
Genome position (GRCh38, 1-based): chr2:29,920,536, C>G on the plus strand (G>C on the coding strand, the complement: ALK is on the minus strand). VCF-style: chr2-29920536-C-G. GRCh37 (hg19) VCF-style: chr2-30143402-C-G.
Other names: short protein forms E42Q.
Identifiers: ClinVar variation 538255 (VCV000538255.12), dbSNP rs1553380444, ClinGen allele CA346590654.

ClinVar aggregate classification (germline): Uncertain significance. Review status: criteria provided, multiple submitters, no conflicts (2 of 4 stars). 2 submissions from 2 submitters: Uncertain significance (2). Last evaluated 2025-07-18.

Conditions:
Neuroblastoma, susceptibility to, 3. Also called: ALK-Related Neuroblastic Tumor Susceptibility. Identifiers: Orphanet 635, MedGen C2751681, MONDO:0013083, OMIM 613014.
Hereditary cancer-predisposing syndrome. Also called: Neoplastic Syndromes, Hereditary; Tumor predisposition; Hereditary Cancer Syndrome; Hereditary neoplastic syndrome. Identifiers: Orphanet 140162, MedGen C0027672, MeSH D009386, MONDO:0015356.

Allele frequency attached by ClinVar (database versions not stated): gnomAD exomes below 0.00001.
gnomAD v4.1: 1 of 1,609,354 alleles (0.000062%); highest among the groups gnomAD compares: Non-Finnish European, 0.000085%; no homozygotes.

Submissions (2):

Ambry Genetics
Classification: Uncertain significance for Hereditary cancer-predisposing syndrome. Last evaluated: 2025-07-18. Review status: criteria provided, single submitter. Criteria: Ambry Variant Classification Scheme 2023. Collection method: clinical testing. Allele origin: germline.
Comment: The p.E42Q variant (also known as c.124G>C), located in coding exon 1 of the ALK gene, results from a G to C substitution at nucleotide position 124. The glutamic acid at codon 42 is replaced by glutamine, an amino acid with highly similar properties. This amino acid position is conserved. In addition, the in silico prediction for this alteration is inconclusive. Since supporting evidence is limited at this time, the clinical significance of this alteration remains unclear.

Labcorp Genetics (formerly Invitae), Labcorp
Classification: Uncertain significance for Neuroblastoma, susceptibility to, 3. Last evaluated: 2024-06-28. Review status: criteria provided, single submitter. Criteria: Invitae Variant Classification Sherloc (09022015). Collection method: clinical testing. Allele origin: germline.
Comment: This sequence change replaces glutamic acid, which is acidic and polar, with glutamine, which is neutral and polar, at codon 42 of the ALK protein (p.Glu42Gln). This variant is not present in population databases (gnomAD no frequency). This variant has not been reported in the literature in individuals affected with ALK-related conditions. ClinVar contains an entry for this variant (Variation ID: 538255). An algorithm developed to predict the effect of missense changes on protein structure and function (PolyPhen-2) suggests that this variant is likely to be disruptive. In summary, the available evidence is currently insufficient to determine the role of this variant in disease. Therefore, it has been classified as a Variant of Uncertain Significance.